The following is an entry in ClinVar:

NM_001127222.2(CACNA1A):c.2023G>A (p.Asp675Asn)

Gene: CACNA1A (calcium voltage-gated channel subunit alpha1 A; minus strand). Cytogenetic location: 19p13.13.
Variant type: single nucleotide variant.
Coding change: c.2023G>A on transcript NM_001127222.2 (MANE Select); coding-DNA position 2023, G replaced by A.
Protein change: p.Asp675Asn; replaces aspartic acid 675 with asparagine.
Molecular consequence: missense variant.
Genome position (GRCh38, 1-based): chr19:13,303,848, C>T on the plus strand (G>A on the coding strand, the complement: CACNA1A is on the minus strand). VCF-style: chr19-13303848-C-T. GRCh37 (hg19) VCF-style: chr19-13414662-C-T.
Other names: c.2026G>A, p.Asp676Asn (NM_000068.4, NM_001127221.2, NM_001174080.2 and 1 more transcripts); short protein forms D676N, D675N.
Identifiers: ClinVar variation 1345384 (VCV001345384.8), dbSNP rs906669300, ClinGen allele CA305508601.
Genomic context (GRCh38, chr19:13,303,848, plus strand): 5'-CAATGAAATAGATGGAGAACACCATGCCGCCCTGCACGCCCCCCTGAGACTTGATCCCGT[C>T]GTACATGACCTCGTTCCAGTCTTCGCCCGTCAGGATCTGAAAGGGGAGGAAGAAACACAC-3'
Protein context (NP_001120694.1, residues 665-685): TGEDWNEVMY[Asp675Asn]GIKSQGGVQG

ClinVar aggregate classification (germline): Uncertain significance. Review status: criteria provided, multiple submitters, no conflicts (2 of 4 stars). 2 submissions from 2 submitters: Uncertain significance (2). Last evaluated 2026-01-28.

Conditions:
Inborn genetic diseases. Identifiers: MedGen C0950123, MeSH D030342.
Developmental and epileptic encephalopathy, 42 (DEE42A). Also called: Epileptic encephalopathy, early infantile, 42; DEVELOPMENTAL AND EPILEPTIC ENCEPHALOPATHY 42A; EPILEPTIC ENCEPHALOPATHY, EARLY INFANTILE, 42A. Identifiers: MedGen C4310716, MONDO:0014917, OMIM 617106.
Episodic ataxia type 2 (EA2). Also called: ATAXIA, EPISODIC, WITH NYSTAGMUS; ATAXIA, FAMILIAL PAROXYSMAL; CEREBELLAR ATAXIA, PAROXYSMAL, ACETAZOLAMIDE-RESPONSIVE; CEREBELLOPATHY, HEREDITARY PAROXYSMAL; EPISODIC ATAXIA, NYSTAGMUS-ASSOCIATED; ACETAZOLAMIDE-RESPONSIVE HEREDITARY PAROXYSMAL CEREBELLAR ATAXIA. Identifiers: Orphanet 97, MedGen C1720416, MONDO:0007163, OMIM 108500.

Allele frequency attached by ClinVar (database versions not stated): gnomAD exomes below 0.00001; TOPMed below 0.00001.
gnomAD v4.1: 2 of 1,613,758 alleles (0.00012%); highest among the groups gnomAD compares: Non-Finnish European, 0.00017%; no homozygotes.

Submissions (2):

Labcorp Genetics (formerly Invitae), Labcorp
Classification: Uncertain significance for Developmental and epileptic encephalopathy, 42; Episodic ataxia type 2. Last evaluated: 2026-01-28. Review status: criteria provided, single submitter. Criteria: Invitae Variant Classification Sherloc (09022015). Collection method: clinical testing. Allele origin: germline.
Comment: This sequence change replaces aspartic acid, which is acidic and polar, with asparagine, which is neutral and polar, at codon 676 of the CACNA1A protein (p.Asp676Asn). This variant is not present in population databases (gnomAD no frequency). This variant has not been reported in the literature in individuals affected with CACNA1A-related conditions. ClinVar contains an entry for this variant (Variation ID: 1345384). Invitae Evidence Modeling of protein sequence and biophysical properties (such as structural, functional, and spatial information, amino acid conservation, physicochemical variation, residue mobility, and thermodynamic stability) indicates that this missense variant is not expected to disrupt CACNA1A protein function with a negative predictive value of 95%. In summary, the available evidence is currently insufficient to determine the role of this variant in disease. Therefore, it has been classified as a Variant of Uncertain Significance.

Ambry Genetics
Classification: Uncertain significance for Inborn genetic diseases. Last evaluated: 2017-07-11. Review status: criteria provided, single submitter. Criteria: Ambry Variant Classification Scheme 2023. Collection method: clinical testing. Allele origin: germline.
Comment: The p.D676N variant (also known as c.2026G>A), located in coding exon 16 of the CACNA1A gene, results from a G to A substitution at nucleotide position 2026. The aspartic acid at codon 676 is replaced by asparagine, an amino acid with highly similar properties. This amino acid position is well conserved in available vertebrate species. In addition, the in silico prediction for this alteration is inconclusive. Since supporting evidence is limited at this time, the clinical significance of this alteration remains unclear.